The following is an entry in ClinVar:

NM_152564.5(VPS13B):c.8059A>G (p.Ile2687Val)

Gene: VPS13B (vacuolar protein sorting 13 homolog B; plus strand). Cytogenetic location: 8q22.2.
Variant type: single nucleotide variant.
Coding change: c.8059A>G on transcript NM_152564.5 (MANE Select); coding-DNA position 8059, A replaced by G.
Protein change: p.Ile2687Val; replaces isoleucine 2687 with valine.
Molecular consequence: missense variant.
Genome position (GRCh38, 1-based): chr8:99,809,492, A>G. VCF-style: chr8-99809492-A-G. GRCh37 (hg19) VCF-style: chr8-100821720-A-G.
Other names: c.8134A>G, p.Ile2712Val (NM_017890.5); c.8059A>G (NM_152564.4); short protein forms I2712V, I2687V.
Identifiers: ClinVar variation 911575 (VCV000911575.16), dbSNP rs369100428, ClinGen allele CA4824372.

ClinVar aggregate classification (germline): Uncertain significance. Review status: criteria provided, multiple submitters, no conflicts (2 of 4 stars). 6 submissions from 6 submitters: Uncertain significance (4). 2 of the submissions do not count toward it. Last evaluated 2025-09-02.

Conditions:
VPS13B-related disorder. Also called: VPS13B-related condition.
Cohen syndrome (COH1). Also called: Cutis verticis gyrata, retinitis pigmentosa, and sensorineural deafness; PEPPER SYNDROME. Identifiers: Orphanet 193, MedGen C0265223, MONDO:0008999, OMIM 216550.

Allele frequency attached by ClinVar (database versions not stated): ExAC 0.00004; gnomAD exomes 0.00004 and 0.00006; TOPMed 0.00006; gnomAD 0.00007 and 0.00009; ESP Exome Variant Server 0.00008.
gnomAD v4.1: 105 of 1,613,888 alleles (0.0065%); highest among the groups gnomAD compares: Non-Finnish European, 0.0081%; no homozygotes.

Submissions (6):

Labcorp Genetics (formerly Invitae), Labcorp
Classification: Uncertain significance for Cohen syndrome. Last evaluated: 2025-09-02. Review status: criteria provided, single submitter. Criteria: Invitae Variant Classification Sherloc (09022015). Collection method: clinical testing. Allele origin: germline.
Comment: This sequence change replaces isoleucine, which is neutral and non-polar, with valine, which is neutral and non-polar, at codon 2712 of the VPS13B protein (p.Ile2712Val). This variant is present in population databases (rs369100428, gnomAD 0.01%). This variant has not been reported in the literature in individuals affected with VPS13B-related conditions. ClinVar contains an entry for this variant (Variation ID: 911575). Invitae Evidence Modeling of protein sequence and biophysical properties (such as structural, functional, and spatial information, amino acid conservation, physicochemical variation, residue mobility, and thermodynamic stability) indicates that this missense variant is not expected to disrupt VPS13B protein function with a negative predictive value of 80%. In summary, the available evidence is currently insufficient to determine the role of this variant in disease. Therefore, it has been classified as a Variant of Uncertain Significance.

Blueprint Genetics
Classification: Uncertain significance. Last evaluated: 2022-08-25. Review status: criteria provided, single submitter. Criteria: ACMG Guidelines, 2015. Collection method: clinical testing. Allele origin: germline.

Fulgent Genetics
Classification: Uncertain significance for Cohen syndrome. Last evaluated: 2022-05-23. Review status: criteria provided, single submitter. Criteria: ACMG Guidelines, 2015. Collection method: clinical testing. Allele origin: unknown.

Illumina Laboratory Services, Illumina
Classification: Uncertain significance for Cohen syndrome. Last evaluated: 2018-01-13. Review status: criteria provided, single submitter. Criteria: ICSL Variant Classification Criteria 13 December 2019. Collection method: clinical testing. Allele origin: germline.

PreventionGenetics, part of Exact Sciences
Classification: Uncertain significance for VPS13B-related condition. Last evaluated: 2024-09-10. Review status: no assertion criteria provided. Collection method: clinical testing. Allele origin: germline. Not counted in ClinVar's aggregate classification.
Comment: The VPS13B c.8059A>G variant is predicted to result in the amino acid substitution p.Ile2687Val. To our knowledge, this variant has not been reported in the literature. This variant is reported in 0.0097% of alleles in individuals of European (Non-Finnish) descent in gnomAD. At this time, the clinical significance of this variant is uncertain due to the absence of conclusive functional and genetic evidence.

Natera, Inc.
Classification: Uncertain significance for Cohen syndrome. Last evaluated: 2020-02-26. Review status: no assertion criteria provided. Collection method: clinical testing. Allele origin: germline. Not counted in ClinVar's aggregate classification.